The following is an entry in ClinVar:

NM_001297.5(CNGB1):c.2166+13C>T

Gene: CNGB1 (cyclic nucleotide gated channel subunit beta 1; minus strand). Cytogenetic location: 16q21.
Variant type: single nucleotide variant.
Coding change: c.2166+13C>T on transcript NM_001297.5 (MANE Select); 13 bases into the intron after coding-DNA position 2166, C replaced by T.
Molecular consequence: intron variant.
Genome position (GRCh38, 1-based): chr16:57,917,255, G>A on the plus strand (C>T on the coding strand, the complement: CNGB1 is on the minus strand). VCF-style: chr16-57917255-G-A. GRCh37 (hg19) VCF-style: chr16-57951159-G-A.
Other names: c.2148+13C>T (NM_001286130.2).
Identifiers: ClinVar variation 1008295 (VCV001008295.6), dbSNP rs773375439, ClinGen allele CA8083158.

ClinVar aggregate classification (germline): Uncertain significance. Review status: criteria provided, multiple submitters, no conflicts (2 of 4 stars). 2 submissions from 2 submitters: Uncertain significance (2). Last evaluated 2023-07-17.

Allele frequency attached by ClinVar (database versions not stated): gnomAD exomes below 0.00001 and 0.00002; ExAC 0.00001; gnomAD 0.00004 and 0.00005; TOPMed 0.00005; 1000 Genomes Project 30x 0.00031.
gnomAD v4.1: 12 of 1,608,644 alleles (0.00075%); highest among the groups gnomAD compares: African/African-American, 0.0093%; no homozygotes.

Submissions (2):

Labcorp Genetics (formerly Invitae), Labcorp
Classification: Uncertain significance. Last evaluated: 2023-07-17. Review status: criteria provided, single submitter. Criteria: Invitae Variant Classification Sherloc (09022015). Collection method: clinical testing. Allele origin: germline.
Comment: This sequence change falls in intron 21 of the CNGB1 gene. It does not directly change the encoded amino acid sequence of the CNGB1 protein. This variant is present in population databases (rs773375439, gnomAD 0.01%). This variant has not been reported in the literature in individuals affected with CNGB1-related conditions. ClinVar contains an entry for this variant (Variation ID: 1008295). Algorithms developed to predict the effect of sequence changes on RNA splicing suggest that this variant may disrupt the consensus splice site. In summary, the available evidence is currently insufficient to determine the role of this variant in disease. Therefore, it has been classified as a Variant of Uncertain Significance.

Blueprint Genetics
Classification: Uncertain significance. Last evaluated: 2023-06-26. Review status: criteria provided, single submitter. Criteria: ACMG Guidelines, 2015. Collection method: clinical testing. Allele origin: germline.